The following is an entry in ClinVar:

NM_000083.3(CLCN1):c.1262G>C (p.Arg421Pro)

Gene: CLCN1 (chloride voltage-gated channel 1; plus strand). Cytogenetic location: 7q34.
Variant type: single nucleotide variant.
Coding change: c.1262G>C on transcript NM_000083.3 (MANE Select); coding-DNA position 1262, G replaced by C.
Protein change: p.Arg421Pro; replaces arginine 421 with proline.
Molecular consequence: missense variant.
Genome position (GRCh38, 1-based): chr7:143,332,734, G>C. VCF-style: chr7-143332734-G-C. GRCh37 (hg19) VCF-style: chr7-143029827-G-C.
Other names: short protein forms R421P.
Identifiers: ClinVar variation 4537261 (VCV004537261.1).

ClinVar aggregate classification (germline): Uncertain significance (1 of 4 stars; one submission).

gnomAD v4.1: 2 of 1,614,094 alleles (0.00012%); highest among the groups gnomAD compares: South Asian, 0.0011%; no homozygotes.

Submission:

Women's Health and Genetics/Laboratory Corporation of America, LabCorp
Classification: Uncertain significance. Last evaluated: 2025-11-20. Review status: criteria provided, single submitter. Criteria: LabCorp Variant Classification Summary - May 2015. Collection method: clinical testing. Allele origin: germline.
Comment: Variant summary: CLCN1 c.1262G>C (p.Arg421Pro) results in a non-conservative amino acid change in the encoded protein sequence. Algorithms developed to predict the effect of missense changes on protein structure and function all suggest that this variant is likely to be disruptive. The variant was absent in 251448 control chromosomes (gnomAD). To our knowledge, no occurrence of c.1262G>C in individuals affected with CLCN1-related conditions and no experimental evidence demonstrating its impact on protein function have been reported. At least two different variants affecting the same codon have been classified as pathogenic by our lab (c.1261C>T, p.Arg421Cys; c.1262G>A, p.Arg421His), supporting the critical relevance of codon 421 to CLCN1 protein function. No submitters have cited clinical-significance assessments for this variant to ClinVar. Based on the evidence outlined above, the variant was classified as VUS-possibly pathogenic.